The following is an entry in ClinVar:

ClinVar aggregate classification (germline): Uncertain significance (1 of 4 stars; one submission).

Conditions:
Long QT syndrome (LQTS). Identifiers: MedGen C0023976, MeSH D008133, MONDO:0002442. Disease mechanism: loss of function. Inheritance: Various modes of inheritance.

Submission:

Labcorp Genetics (formerly Invitae), Labcorp
Classification: Uncertain significance for Long QT syndrome. Last evaluated: 2025-01-07. Review status: criteria provided, single submitter. Criteria: Invitae Variant Classification Sherloc (09022015). Collection method: clinical testing. Allele origin: germline.
Comment: This sequence change replaces glutamic acid, which is acidic and polar, with glycine, which is neutral and non-polar, at codon 3548 of the ANK2 protein (p.Glu3548Gly). This variant is not present in population databases (gnomAD no frequency). This variant has not been reported in the literature in individuals affected with ANK2-related conditions. An algorithm developed to predict the effect of missense changes on protein structure and function (PolyPhen-2) suggests that this variant is likely to be disruptive. In summary, the available evidence is currently insufficient to determine the role of this variant in disease. Therefore, it has been classified as a Variant of Uncertain Significance.

NM_001148.6(ANK2):c.10643A>G (p.Glu3548Gly)

Gene: ANK2 (ankyrin 2; plus strand). Cytogenetic location: 4q26.
Variant type: single nucleotide variant.
Coding change: c.10643A>G on transcript NM_001148.6 (MANE Select); coding-DNA position 10643, A replaced by G.
Protein change: p.Glu3548Gly; replaces glutamic acid 3548 with glycine.
Molecular consequence: missense variant. On other transcripts: intron variant (68).
Genome position (GRCh38, 1-based): chr4:113,359,261, A>G. VCF-style: chr4-113359261-A-G. GRCh37 (hg19) VCF-style: chr4-114280417-A-G.
Other names: c.4208-1562A>G (NM_001386146.1, NM_001386150.1, NM_001386149.1 and 1 more transcripts); c.4193-1562A>G (NM_001354274.2, NM_001386154.1); c.4142-1562A>G (NM_001386151.1, NM_001354260.2, NM_001354271.2); c.4043-1562A>G (NM_001386157.1, NM_001354277.2); c.4361-1562A>G (NM_001386161.1, NM_001354244.2, NM_001354256.2); c.4286-1562A>G (NM_001354261.2); c.4166-1562A>G (NM_001386156.1, NM_001354257.2); c.4262-1562A>G (NM_001354264.2); and 35 more; short protein forms E2348G, E3587G, E3548G, E3470G, E3595G.
Identifiers: ClinVar variation 3681792 (VCV003681792.2).